The following is an entry in ClinVar:

ClinVar aggregate classification (germline): Likely pathogenic (1 of 4 stars; one submission).

Conditions:
Neurodegeneration with brain iron accumulation (NBIA). Identifiers: Orphanet 385, MedGen C2931845, MONDO:0018307.

Submission:

Women's Health and Genetics/Laboratory Corporation of America, LabCorp
Classification: Likely pathogenic for Neurodegeneration with brain iron accumulation. Last evaluated: 2023-02-13. Review status: criteria provided, single submitter. Criteria: LabCorp Variant Classification Summary - May 2015. Collection method: clinical testing. Allele origin: germline.
Comment: Variant summary: DCAF17 c.499_500insGA (p.Lys167ArgfsX36) results in a premature termination codon, predicted to cause a truncation of the encoded protein or absence of the protein due to nonsense mediated decay, which are commonly known mechanisms for disease. Truncations downstream of this position have been classified as pathogenic in ClinVar and are associated with Woodhouse-Sakati syndrome in HGMD. The variant was absent in 249520 control chromosomes. To our knowledge, no occurrence of c.499_500insGA in individuals affected with Neurodegeneration With Brain Iron Accumulation and no experimental evidence demonstrating its impact on protein function have been reported. No clinical diagnostic laboratories have submitted clinical-significance assessments for this variant to ClinVar after 2014. Based on the evidence outlined above, the variant was classified as likely pathogenic.

NM_025000.4(DCAF17):c.499_500insGA (p.Lys167fs)

Gene: DCAF17 (DDB1 and CUL4 associated factor 17; plus strand). Cytogenetic location: 2q31.1.
Variant type: Insertion.
Coding change: c.499_500insGA on transcript NM_025000.4 (MANE Select); coding-DNA positions 499 to 500, GA inserted.
Protein change: p.Lys167fs; shifts the reading frame from lysine 167.
Molecular consequence: frameshift variant. On other transcripts: non-coding transcript variant (1).
Genome position: GRCh38 VCF-style: chr2-171449918-T-TAG. GRCh37 (hg19) VCF-style: chr2-172306428-T-TAG.
Other names: c.499_500insGA, p.Lys167fs (NM_001164821.2); c.499_500insGA (NM_025000.3); short protein forms K167fs.
Identifiers: ClinVar variation 2445826 (VCV002445826.1), dbSNP rs2529687764, ClinGen allele CA2580064504.